The following is an entry in ClinVar:

NM_014861.4(ATP2C2):c.154C>T (p.Leu52=)

Gene: ATP2C2 (ATPase secretory pathway Ca2+ transporting 2; plus strand). Cytogenetic location: 16q24.1.
Variant type: single nucleotide variant.
Coding change: c.154C>T on transcript NM_014861.4 (MANE Select); coding-DNA position 154, C replaced by T.
Protein change: p.Leu52=; no amino-acid change (leucine 52 retained).
Molecular consequence: synonymous variant.
Genome position (GRCh38, 1-based): chr16:84,398,553, C>T. VCF-style: chr16-84398553-C-T. GRCh37 (hg19) VCF-style: chr16-84432159-C-T.
Other names: c.154C>T, p.Leu52= (NM_001286527.3).
Identifiers: ClinVar variation 3044808 (VCV003044808.2), dbSNP rs377216368, ClinGen allele CA8206399.

ClinVar aggregate classification (germline): Likely benign (0 of 4 stars; one submission).

Conditions:
ATP2C2-related disorder. Also called: ATP2C2-related condition.

Allele frequency attached by ClinVar (database versions not stated): ESP Exome Variant Server 0.00008; gnomAD 0.00015; TOPMed 0.00019; ExAC 0.00020; gnomAD exomes 0.00027.
gnomAD v4.1: 407 of 1,613,282 alleles (0.025%); highest among the groups gnomAD compares: Non-Finnish European, 0.032%; 1 homozygote.

Submission:

PreventionGenetics, part of Exact Sciences
Classification: Likely benign for ATP2C2-related condition. Last evaluated: 2019-06-06. Review status: no assertion criteria provided. Collection method: clinical testing. Allele origin: germline.
Comment: This variant is classified as likely benign based on ACMG/AMP sequence variant interpretation guidelines (Richards et al. 2015 PMID: 25741868, with internal and published modifications).